The following is an entry in ClinVar:

ClinVar aggregate classification (germline): Uncertain significance (1 of 4 stars; one submission).

Conditions:
Familial cancer of breast. Also called: Hereditary breast cancer; BREAST CANCER, FAMILIAL; hereditary breast carcinoma. Identifiers: Orphanet 227535, MedGen C0346153, MONDO:0016419, OMIM 114480. Disease mechanism: loss of function.

Submission:

Labcorp Genetics (formerly Invitae), Labcorp
Classification: Uncertain significance for Familial cancer of breast. Last evaluated: 2024-04-02. Review status: criteria provided, single submitter. Criteria: Invitae Variant Classification Sherloc (09022015). Collection method: clinical testing. Allele origin: germline.
Comment: This sequence change replaces serine, which is neutral and polar, with asparagine, which is neutral and polar, at codon 555 of the BARD1 protein (p.Ser555Asn). This variant is not present in population databases (gnomAD no frequency). This variant has not been reported in the literature in individuals affected with BARD1-related conditions. ClinVar contains an entry for this variant (Variation ID: 1034774). An algorithm developed to predict the effect of missense changes on protein structure and function (PolyPhen-2) suggests that this variant is likely to be tolerated. In summary, the available evidence is currently insufficient to determine the role of this variant in disease. Therefore, it has been classified as a Variant of Uncertain Significance.

NM_000465.4(BARD1):c.1664G>A (p.Ser555Asn)

Gene: BARD1 (BRCA1 associated RING domain 1; minus strand). Cytogenetic location: 2q35.
Variant type: single nucleotide variant.
Coding change: c.1664G>A on transcript NM_000465.4 (MANE Select); coding-DNA position 1664, G replaced by A.
Protein change: p.Ser555Asn; replaces serine 555 with asparagine.
Molecular consequence: missense variant. On other transcripts: non-coding transcript variant (3), intron variant (1).
Genome position (GRCh38, 1-based): chr2:214,752,460, C>T on the plus strand (G>A on the coding strand, the complement: BARD1 is on the minus strand). VCF-style: chr2-214752460-C-T. GRCh37 (hg19) VCF-style: chr2-215617184-C-T.
Other names: c.1607G>A, p.Ser536Asn (NM_001282543.2); c.311G>A, p.Ser104Asn (NM_001282545.2); c.254G>A, p.Ser85Asn (NM_001282548.2); c.365-21952G>A (NM_001282549.2); short protein forms S104N, S555N, S85N, S536N.
Identifiers: ClinVar variation 1034774 (VCV001034774.10), dbSNP rs1693499055, ClinGen allele CA350454584.